The following is an entry in ClinVar:

ClinVar aggregate classification (germline): Benign. Review status: criteria provided, multiple submitters, no conflicts (2 of 4 stars). 9 submissions from 6 submitters: Benign (9). Last evaluated 2026-02-02.

Conditions:
Synpolydactyly type 1. Identifiers: Orphanet 295195, MedGen C5574994, MONDO:0008513, OMIM 186000.
Brachydactyly type E1 (BDE1). Identifiers: Orphanet 93387, MedGen C1862102, MONDO:0007223, OMIM 113300.
Brachydactyly type D. Also called: STUB THUMB. Identifiers: MedGen C0220664, MONDO:0007222, OMIM 113200, HP:0005627.
Syndactyly type 5. Also called: Syndactyly, type V; Syndactyly with associated metacarpal and metatarsal fusion; SYNDACTYLY WITH METACARPAL AND METATARSAL FUSION. Identifiers: Orphanet 93406, MedGen C1861348, MONDO:0008516, OMIM 186300.

Allele frequency attached by ClinVar (database versions not stated): gnomAD exomes 0.34327; ExAC 0.36828; gnomAD 0.42950 and 0.43768; TOPMed 0.44514; 1000 Genomes Project 0.44788.
gnomAD v4.1: 491,289 of 1,425,930 alleles (34%); highest among the groups gnomAD compares: African/African-American, 76%; 92,259 homozygotes.

Submissions (9):

Labcorp Genetics (formerly Invitae), Labcorp
Classification: Benign. Last evaluated: 2026-02-02. Review status: criteria provided, single submitter. Criteria: Invitae Variant Classification Sherloc (09022015). Collection method: clinical testing. Allele origin: germline.

Blueprint Genetics
Classification: Benign. Last evaluated: 2024-11-26. Review status: criteria provided, single submitter. Criteria: ACMG Guidelines, 2015. Collection method: clinical testing. Allele origin: germline.

Genome-Nilou Lab
Classification: Benign for Brachydactyly type D. Last evaluated: 2021-08-10. Review status: criteria provided, single submitter. Criteria: ACMG Guidelines, 2015. Collection method: clinical testing. Allele origin: germline. Affected: no.

Genome-Nilou Lab
Classification: Benign for Brachydactyly type E1. Last evaluated: 2021-08-10. Review status: criteria provided, single submitter. Criteria: ACMG Guidelines, 2015. Collection method: clinical testing. Allele origin: germline. Affected: no.

Genome-Nilou Lab
Classification: Benign for Syndactyly type 5. Last evaluated: 2021-08-10. Review status: criteria provided, single submitter. Criteria: ACMG Guidelines, 2015. Collection method: clinical testing. Allele origin: germline. Affected: no.

Genome-Nilou Lab
Classification: Benign for Synpolydactyly type 1. Last evaluated: 2021-08-10. Review status: criteria provided, single submitter. Criteria: ACMG Guidelines, 2015. Collection method: clinical testing. Allele origin: germline. Affected: no.

Eurofins Ntd Llc (ga)
Classification: Benign. Last evaluated: 2016-06-01. Review status: criteria provided, single submitter. Criteria: EGL Classification Definitions 2015. Collection method: clinical testing. Allele origin: germline. Observed: 45 variant alleles, 30 heterozygotes, 15 homozygotes.

GeneDx
Classification: Benign. Last evaluated: 2015-03-03. Review status: criteria provided, single submitter. Criteria: GeneDx Variant Classification Process June 2021. Collection method: clinical testing. Allele origin: germline. Affected: yes.
Comment: This variant is associated with the following publications: (PMID: 17216618)

Breakthrough Genomics
Classification: Benign. Review status: criteria provided, single submitter. Criteria: ACMG Guidelines, 2015. Collection method: not provided. Allele origin: germline. Inheritance: Autosomal dominant inheritance. Affected: yes.

NM_000523.4(HOXD13):c.204G>A (p.Ala68=)

Gene: HOXD13 (homeobox D13; plus strand). Cytogenetic location: 2q31.1.
Variant type: single nucleotide variant.
Coding change: c.204G>A on transcript NM_000523.4 (MANE Select); coding-DNA position 204, G replaced by A.
Protein change: p.Ala68=; no amino-acid change (alanine 68 retained).
Molecular consequence: synonymous variant.
Genome position (GRCh38, 1-based): chr2:176,093,094, G>A. VCF-style: chr2-176093094-G-A. GRCh37 (hg19) VCF-style: chr2-176957822-G-A.
Other names: c.204G>A (NM_000523.3).
Identifiers: ClinVar variation 193107 (VCV000193107.19), dbSNP rs2518053, ClinGen allele CA200322.